The following is an entry in ClinVar:

ClinVar aggregate classification (germline): Likely benign. Review status: criteria provided, multiple submitters, no conflicts (2 of 4 stars). 2 submissions from 2 submitters: Likely benign (2). Last evaluated 2026-08-27.

Conditions:
NFIB-related disorder. Also called: NFIB-related condition.

gnomAD v4.1: 112 of 1,587,654 alleles (0.0071%); highest among the groups gnomAD compares: African/African-American, 0.069%; no homozygotes.

Submissions (2):

PreventionGenetics, part of Exact Sciences
Classification: Likely benign for NFIB-related condition. Last evaluated: 2026-08-27. Review status: criteria provided, single submitter. Criteria: ACMG Guidelines, 2015. Collection method: clinical testing. Allele origin: germline.
Comment: This variant is classified as likely benign based on ACMG/AMP sequence variant interpretation guidelines (Richards et al. 2015 PMID: 25741868, with internal and published modifications).

Blueprint Genetics
Classification: Likely benign. Last evaluated: 2024-01-15. Review status: criteria provided, single submitter. Criteria: ACMG Guidelines, 2015. Collection method: clinical testing. Allele origin: germline.

NM_001190737.2(NFIB):c.660A>G (p.Val220=)

Gene: NFIB (nuclear factor I B; minus strand). Cytogenetic location: 9p23.
Variant type: single nucleotide variant.
Coding change: c.660A>G on transcript NM_001190737.2 (MANE Select); coding-DNA position 660, A replaced by G.
Protein change: p.Val220=; no amino-acid change (valine 220 retained).
Molecular consequence: synonymous variant. On other transcripts: non-coding transcript variant (4), 5 prime UTR variant (1).
Genome position (GRCh38, 1-based): chr9:14,155,850, T>C on the plus strand (A>G on the coding strand, the complement: NFIB is on the minus strand). VCF-style: chr9-14155850-T-C. GRCh37 (hg19) VCF-style: chr9-14155849-T-C.
Other names: c.726A>G, p.Val242= (NM_001369462.1, NM_001369468.1, NM_001369458.1 and 1 more transcripts); c.648A>G, p.Val216= (NM_001369463.1, NM_001369466.1, NM_001369472.1 and 2 more transcripts); c.660A>G, p.Val220= (NM_001369464.1, NM_001369471.1, NM_001429577.1 and 2 more transcripts); c.633A>G, p.Val211= (NM_001369465.1, NM_001369467.1, NM_001369476.1); c.516A>G, p.Val172= (NM_001369469.1); c.423A>G, p.Val141= (NM_001369470.1, NM_001369478.1); c.645A>G, p.Val215= (NM_001369474.1); c.435A>G, p.Val145= (NM_001369475.1); and 5 more.
Identifiers: ClinVar variation 4902676 (VCV004902676.2).